The following is an entry in ClinVar:

NM_000465.4(BARD1):c.229G>A (p.Asp77Asn)

Gene: BARD1 (BRCA1 associated RING domain 1; minus strand). Cytogenetic location: 2q35.
Variant type: single nucleotide variant.
Coding change: c.229G>A on transcript NM_000465.4 (MANE Select); coding-DNA position 229, G replaced by A.
Protein change: p.Asp77Asn; replaces aspartic acid 77 with asparagine.
Molecular consequence: missense variant. On other transcripts: non-coding transcript variant (1), intron variant (2).
Genome position (GRCh38, 1-based): chr2:214,792,432, C>T on the plus strand (G>A on the coding strand, the complement: BARD1 is on the minus strand). VCF-style: chr2-214792432-C-T. GRCh37 (hg19) VCF-style: chr2-215657156-C-T.
Other names: c.172G>A, p.Asp58Asn (NM_001282543.2); c.229G>A, p.Asp77Asn (NM_001282549.2); c.158+16980G>A (NM_001282548.2); c.215+4629G>A (NM_001282545.2); short protein forms D77N, D58N.
Identifiers: ClinVar variation 1789231 (VCV001789231.2), dbSNP rs1574839978, ClinGen allele CA350461311.

ClinVar aggregate classification (germline): Uncertain significance (1 of 4 stars; one submission).

Conditions:
Hereditary cancer-predisposing syndrome. Also called: Hereditary Cancer Syndrome; Hereditary neoplastic syndrome; Tumor predisposition; Neoplastic Syndromes, Hereditary. Identifiers: Orphanet 140162, MedGen C0027672, MeSH D009386, MONDO:0015356.

Submission:

Ambry Genetics
Classification: Uncertain significance for Hereditary cancer-predisposing syndrome. Last evaluated: 2015-10-23. Review status: criteria provided, single submitter. Criteria: Ambry Variant Classification Scheme 2023. Collection method: clinical testing. Allele origin: germline.
Comment: The p.D77N variant (also known as c.229G>A), located in coding exon 3 of the BARD1 gene, results from a G to A substitution at nucleotide position 229. The aspartic acid at codon 77 is replaced by asparagine, an amino acid with highly similar properties. This variant was not reported in population based cohorts in the following databases: Database of Single Nucleotide Polymorphisms (dbSNP), NHLBI Exome Sequencing Project (ESP), and 1000 Genomes Project. In the ESP, this variant was not observed in 6503 samples (13006 alleles) with coverage at this position. To date, this alteration has been detected with an allele frequency of approximately 0.002% (greater than 65000 alleles tested) in our clinical cohort. This amino acid position is highly conserved in available vertebrate species. In addition, this alteration is predicted to be tolerated by in silico analysis. Since supporting evidence is limited at this time, the clinical significance of p.D77N remains unclear.